The following is an entry in ClinVar:

NM_001385641.1(SAMD11):c.1228G>A (p.Ala410Thr)

Gene: SAMD11 (sterile alpha motif domain containing 11; plus strand). Cytogenetic location: 1p36.33.
Variant type: single nucleotide variant.
Coding change: c.1228G>A on transcript NM_001385641.1 (MANE Select); coding-DNA position 1228, G replaced by A.
Protein change: p.Ala410Thr; replaces alanine 410 with threonine.
Molecular consequence: missense variant.
Genome position (GRCh38, 1-based): chr1:941,176, G>A. VCF-style: chr1-941176-G-A. GRCh37 (hg19) VCF-style: chr1-876556-G-A.
Other names: c.739G>A (NM_152486.2); c.1231G>A, p.Ala411Thr (NM_001385640.1); c.739G>A, p.Ala247Thr (NM_152486.4); short protein forms A247T, A410T, A411T.
Identifiers: ClinVar variation 1957959 (VCV001957959.8), dbSNP rs1449455510, ClinGen allele CA337803280.
Genomic context (GRCh38, chr1:941,176, plus strand): 5'-GGGATCACTGCTGTTGTCCCCCACCCAGATCTCCTGAGGGTCCGGCAGGAGGTGGCGGCT[G>A]CAGCTCTGAGGGGCCCCAGTGGCCTGGAAGCCCACCTGCCCTCCTCCACGGCAGGTCAGC-3'
Protein context (NP_001372570.1, residues 400-420): LLRVRQEVAA[Ala410Thr]ALRGPSGLEA

ClinVar aggregate classification (germline): Uncertain significance. Review status: criteria provided, multiple submitters, no conflicts (2 of 4 stars). 2 submissions from 2 submitters: Uncertain significance (2). Last evaluated 2025-08-25.

Allele frequency attached by ClinVar (database versions not stated): gnomAD exomes below 0.00001; gnomAD 0.00001; TOPMed 0.00001.
gnomAD v4.1: 7 of 1,602,084 alleles (0.00044%); highest among the groups gnomAD compares: South Asian, 0.0011%; no homozygotes.

Submissions (2):

Ambry Genetics
Classification: Uncertain significance. Last evaluated: 2025-08-25. Review status: criteria provided, single submitter. Criteria: Ambry Variant Classification Scheme 2023. Collection method: clinical testing. Allele origin: germline.

Labcorp Genetics (formerly Invitae), Labcorp
Classification: Uncertain significance. Last evaluated: 2022-05-25. Review status: criteria provided, single submitter. Criteria: Invitae Variant Classification Sherloc (09022015). Collection method: clinical testing. Allele origin: germline.
Comment: In summary, the available evidence is currently insufficient to determine the role of this variant in disease. Therefore, it has been classified as a Variant of Uncertain Significance. Algorithms developed to predict the effect of missense changes on protein structure and function output the following: SIFT: "Tolerated"; PolyPhen-2: "Benign"; Align-GVGD: "Class C0". The threonine amino acid residue is found in multiple mammalian species, which suggests that this missense change does not adversely affect protein function. This variant has not been reported in the literature in individuals affected with SAMD11-related conditions. This variant is present in population databases (no rsID available, gnomAD 0.007%). This sequence change replaces alanine, which is neutral and non-polar, with threonine, which is neutral and polar, at codon 247 of the SAMD11 protein (p.Ala247Thr).